The following is an entry in ClinVar:

ClinVar aggregate classification (germline): Uncertain significance (1 of 4 stars; one submission).

Conditions:
Hereditary cancer-predisposing syndrome. Also called: Tumor predisposition; Neoplastic Syndromes, Hereditary; Hereditary Cancer Syndrome; Hereditary neoplastic syndrome. Identifiers: Orphanet 140162, MedGen C0027672, MeSH D009386, MONDO:0015356.

Submission:

Ambry Genetics
Classification: Uncertain significance for Hereditary cancer-predisposing syndrome. Last evaluated: 2025-01-25. Review status: criteria provided, single submitter. Criteria: Ambry Variant Classification Scheme 2023. Collection method: clinical testing. Allele origin: germline.
Comment: The p.W421C variant (also known as c.1263G>C), located in coding exon 9 of the APC gene, results from a G to C substitution at nucleotide position 1263. The tryptophan at codon 421 is replaced by cysteine, an amino acid with highly dissimilar properties. This amino acid position is conserved. In addition, in silico predictors for this gene do not accurately predict pathogenicity. Based on the available evidence, the clinical significance of this variant remains unclear.

NM_000038.6(APC):c.1263G>C (p.Trp421Cys)

Gene: APC (APC regulator of Wnt signaling pathway; plus strand). Cytogenetic location: 5q22.2.
Variant type: single nucleotide variant.
Coding change: c.1263G>C on transcript NM_000038.6 (MANE Select); coding-DNA position 1263, G replaced by C.
Protein change: p.Trp421Cys; replaces tryptophan 421 with cysteine.
Molecular consequence: missense variant. On other transcripts: non-coding transcript variant (2).
Genome position (GRCh38, 1-based): chr5:112,819,295, G>C. VCF-style: chr5-112819295-G-C. GRCh37 (hg19) VCF-style: chr5-112154992-G-C.
Other names: c.1263G>C, p.Trp421Cys (NM_001127510.3, NM_001354895.2, NM_001354896.2 and 4 more transcripts); c.1209G>C, p.Trp403Cys (NM_001127511.3); c.1293G>C, p.Trp431Cys (NM_001354897.2, NM_001407446.1); c.1188G>C, p.Trp396Cys (NM_001354898.2, NM_001407451.1); c.1179G>C, p.Trp393Cys (NM_001354899.2, NM_001407452.1); c.1086G>C, p.Trp362Cys (NM_001354900.2, NM_001354901.2, NM_001407453.1); c.990G>C, p.Trp330Cys (NM_001354902.2); c.960G>C, p.Trp320Cys (NM_001354903.2, NM_001407454.1, NM_001407455.1 and 5 more transcripts); and 5 more; short protein forms W320C, W330C, W396C, W421C, W362C, W431C, W138C, W292C.
Identifiers: ClinVar variation 3882002 (VCV003882002.1).